The following is an entry in ClinVar:

ClinVar aggregate classification (germline): Uncertain significance. Review status: criteria provided, single submitter (1 of 4 stars). 2 submissions from 2 submitters: Uncertain significance (1). 1 of the submissions does not count toward it. Last evaluated 2023-12-16.

Conditions:
Inborn genetic diseases. Identifiers: MedGen C0950123, MeSH D030342.

Allele frequency attached by ClinVar (database versions not stated): gnomAD 0.00001 and 0.00002; gnomAD exomes 0.00002; TOPMed 0.00002.
gnomAD v4.1: 32 of 1,612,732 alleles (0.002%); highest among the groups gnomAD compares: Admixed American, 0.005%; no homozygotes.

Submissions (2):

Ambry Genetics
Classification: Uncertain significance for Inborn genetic diseases. Last evaluated: 2023-12-16. Review status: criteria provided, single submitter. Criteria: Ambry Variant Classification Scheme 2023. Collection method: clinical testing. Allele origin: germline.

ITMI
No classification provided. Condition: AllHighlyPenetrant. Last evaluated: 2013-09-19. Review status: no classification provided. Collection method: reference population. Allele origin: germline. Not counted in ClinVar's aggregate classification.
Comment: Please see associated publication for description of ethnicities

Literature cited by the submitters: PubMed 24728327 (cited by ITMI).

NM_001386298.1(CIC):c.6683C>T (p.Pro2228Leu)

Gene: CIC (capicua transcriptional repressor; plus strand). Cytogenetic location: 19q13.2.
Variant type: single nucleotide variant.
Coding change: c.6683C>T on transcript NM_001386298.1 (MANE Select); coding-DNA position 6683, C replaced by T.
Protein change: p.Pro2228Leu; replaces proline 2228 with leucine.
Molecular consequence: missense variant.
Genome position (GRCh38, 1-based): chr19:42,293,752, C>T. VCF-style: chr19-42293752-C-T. GRCh37 (hg19) VCF-style: chr19-42797904-C-T.
Other names: c.6683C>T, p.Pro2228Leu (NM_001304815.2, NM_001379482.1); c.6680C>T, p.Pro2227Leu (NM_001379480.1); c.3956C>T, p.Pro1319Leu (NM_001379484.1, NM_001379485.1, NM_015125.5); c.3956C>T (NM_015125.3); short protein forms P1319L, P2228L, P2227L.
Identifiers: ClinVar variation 133916 (VCV000133916.2), dbSNP rs587778207, ClinGen allele CA158150.